The following is an entry in ClinVar:

NM_006767.4(LZTR1):c.1066del (p.Val356fs)

Gene: LZTR1 (leucine zipper like post translational regulator 1; plus strand). Cytogenetic location: 22q11.21.
Variant type: Deletion.
Coding change: c.1066del on transcript NM_006767.4 (MANE Select); coding-DNA position 1066, one base deleted (G; older notation c.1066delG).
Protein change: p.Val356fs; shifts the reading frame from valine 356.
Molecular consequence: frameshift variant.
Genome position (GRCh38, 1-based): chr22:20,992,286, G deleted; the last of 3 consecutive G bases (chr22:20,992,284-20,992,286); deleting any one gives the same sequence. VCF-style (leftmost placement, unchanged base first): chr22-20992283-CG-C. GRCh37 (hg19) VCF-style: chr22-21346572-CG-C.
Other names: short protein forms V356fs.
Identifiers: ClinVar variation 1451789 (VCV001451789.6), dbSNP rs2147965479, ClinGen allele CA2573157805.
Genomic context (GRCh38, chr22:20,992,283, plus strand): 5'-GCTGAAGTGCCCGAGCGAGCCTGTGCTTCCGAGGAGGTGCCCACCCTGACCTATGAGGAG[CG>C]GGTTGGCTTCAAGAAGTCCCGAGATGTGTTTGGCCTGGACTTTGGCACCACCTCAGCCAA-3'

ClinVar aggregate classification (germline): Pathogenic (1 of 4 stars; one submission).

Submission:

Labcorp Genetics (formerly Invitae), Labcorp
Classification: Pathogenic. Last evaluated: 2021-09-15. Review status: criteria provided, single submitter. Criteria: Invitae Variant Classification Sherloc (09022015). Collection method: clinical testing. Allele origin: germline.
Comment: This sequence change creates a premature translational stop signal (p.Val356Leufs*105) in the LZTR1 gene. It is expected to result in an absent or disrupted protein product. Loss-of-function variants in LZTR1 are known to be pathogenic (PMID: 24362817, 25335493, 25480913, 25795793, 29469822, 30442762, 30442766, 30481304, 30859559). This variant is not present in population databases (ExAC no frequency). This variant has not been reported in the literature in individuals affected with LZTR1-related conditions. For these reasons, this variant has been classified as Pathogenic.

Literature cited by the submitters: PubMed 24362817; PubMed 25335493; PubMed 25480913; PubMed 25795793; PubMed 29469822; PubMed 30442762; PubMed 30442766; PubMed 30481304; PubMed 30859559.